The following is an entry in ClinVar:

NM_000551.4(VHL):c.340+664A>G

Genes: VHL (von Hippel-Lindau tumor suppressor; plus strand), LOC107303340 (3p25 von Hippel-Lindau tumor suppressor, E3 ubiquitin protein ligase Alu-mediated recombination region; plus strand). Cytogenetic location: 3p25.3.
Variant type: single nucleotide variant.
Coding change: c.340+664A>G on transcript NM_000551.4 (MANE Select); 664 bases into the intron after coding-DNA position 340, A replaced by G.
Molecular consequence: intron variant. On other transcripts: synonymous variant (1), non-coding transcript variant (1).
Genome position (GRCh38, 1-based): chr3:10,142,851, A>G. VCF-style: chr3-10142851-A-G. GRCh37 (hg19) VCF-style: chr3-10184535-A-G.
Other names: c.429A>G, p.Thr143= (NM_001354723.2); c.340+664A>G (NM_198156.3).
Identifiers: ClinVar variation 2939877 (VCV002939877.3), dbSNP rs2125125940, ClinGen allele CA2607829162.
Genomic context (GRCh38, chr3:10,142,851, plus strand): 5'-CGTAGTCCCTGCCCTCGTGGAGAACACATTCCTCCTGGGGAGACTGACAGATGCAAAGAC[A>G]GGAACAAGCCAGGGTCATGTTGGCGCCGGAAGAGCCGACCGTGTGTGGCGTGGGAAATTG-3'

ClinVar aggregate classification (germline): Uncertain significance (1 of 4 stars; one submission).

Conditions:
Chuvash polycythemia. Also called: POLYCYTHEMIA, VHL-DEPENDENT. Identifiers: Orphanet 238557, MedGen C1837915, MONDO:0009892, OMIM 263400.
Von Hippel-Lindau syndrome (VHLS). Also called: von Hippel–Lindau syndrome; VHL syndrome; Von Hippel-Lindau. Identifiers: Orphanet 892, MedGen C0019562, MONDO:0008667, OMIM 193300. Disease mechanism: loss of function.

Allele frequency attached by ClinVar (database versions not stated): gnomAD 0.00001; 1000 Genomes Project 30x 0.00016.

Submission:

Labcorp Genetics (formerly Invitae), Labcorp
Classification: Uncertain significance for Von Hippel-Lindau syndrome; Chuvash polycythemia. Last evaluated: 2023-06-30. Review status: criteria provided, single submitter. Criteria: Invitae Variant Classification Sherloc (09022015). Collection method: clinical testing. Allele origin: germline.
Comment: Algorithms developed to predict the effect of sequence changes on RNA splicing suggest that this variant is not likely to affect RNA splicing. In summary, the available evidence is currently insufficient to determine the role of this variant in disease. Therefore, it has been classified as a Variant of Uncertain Significance. This variant has not been reported in the literature in individuals affected with VHL-related conditions. This variant is not present in population databases (gnomAD no frequency). This sequence change falls in intron 1 of the VHL gene. It is not expected to change the encoded amino acid sequence of the VHL protein. However, this sequence change falls within a cryptic exon in the VHL gene, known as exon E1’, which is naturally expressed at low levels in several human tissues (PMID: 29891534).

Literature cited by the submitters: PubMed 29891534.